The following is an entry in ClinVar:

NM_000465.4(BARD1):c.216-1G>T

Gene: BARD1 (BRCA1 associated RING domain 1; minus strand). Cytogenetic location: 2q35.
Variant type: single nucleotide variant.
Coding change: c.216-1G>T on transcript NM_000465.4 (MANE Select); the canonical splice acceptor site of the intron before coding-DNA position 216, G replaced by T.
Molecular consequence: splice acceptor variant. On other transcripts: intron variant (2).
Genome position (GRCh38, 1-based): chr2:214,792,446, C>A on the plus strand (G>T on the coding strand, the complement: BARD1 is on the minus strand). VCF-style: chr2-214792446-C-A. GRCh37 (hg19) VCF-style: chr2-215657170-C-A.
Other names: c.158+16966G>T (NM_001282548.2); c.159-1G>T (NM_001282543.2); c.215+4615G>T (NM_001282545.2); c.216-1G>T (NM_001282549.2).
Identifiers: ClinVar variation 1803767 (VCV001803767.4), dbSNP rs876658905, ClinGen allele CA350461343.

ClinVar aggregate classification (germline): Pathogenic/Likely pathogenic. Review status: criteria provided, multiple submitters, no conflicts (2 of 4 stars). 3 submissions from 3 submitters: Pathogenic (1); Likely pathogenic (2). Last evaluated 2025-05-15.

Conditions:
Familial cancer of breast. Also called: BREAST CANCER, FAMILIAL; Hereditary breast cancer; hereditary breast carcinoma. Identifiers: Orphanet 227535, MedGen C0346153, MONDO:0016419, OMIM 114480. Disease mechanism: loss of function.

Submissions (3):

Myriad Genetics, Inc.
Classification: Likely pathogenic for Familial cancer of breast. Last evaluated: 2025-05-15. Review status: criteria provided, single submitter. Criteria: Myriad Autosomal Dominant, Autosomal Recessive and X-Linked Classification Criteria (2023). Collection method: clinical testing. Allele origin: unknown.
Comment: This variant is considered likely pathogenic. This variant occurs within a consensus splice junction and is predicted to result in abnormal mRNA splicing of either an out-of-frame exon or an in-frame exon necessary for protein stability and/or normal function.

Department of Pathology and Laboratory Medicine, Sinai Health System
Classification: Likely pathogenic for Familial cancer of breast. Last evaluated: 2025-01-07. Review status: criteria provided, single submitter. Criteria: ACMG Guidelines, 2015. Collection method: clinical testing. Allele origin: germline.

Centre for Mendelian Genomics, University Medical Centre Ljubljana
Classification: Pathogenic for Familial cancer of breast. Last evaluated: 2022-12-09. Review status: criteria provided, single submitter. Criteria: ACMG Guidelines, 2015. Collection method: research. Allele origin: germline. Affected: no.
Comment: PVS1, PS4_SUP, PM2_SUP